The following is an entry in ClinVar:

ClinVar aggregate classification (germline): Benign (1 of 4 stars; one submission).

Allele frequency attached by ClinVar (database versions not stated): gnomAD 0.45538 and 0.46466; TOPMed 0.46178; 1000 Genomes Project 30x 0.48829; 1000 Genomes Project 0.49341.

Submission:

GeneDx
Classification: Benign. Last evaluated: 2018-06-19. Review status: criteria provided, single submitter. Criteria: GeneDx Variant Classification (06012015). Collection method: clinical testing. Allele origin: germline. Affected: yes.
Comment: This variant is considered likely benign or benign based on one or more of the following criteria: it is a conservative change, it occurs at a poorly conserved position in the protein, it is predicted to be benign by multiple in silico algorithms, and/or has population frequency not consistent with disease.

NM_000153.4(GALC):c.1490-233C>T

Gene: GALC (galactosylceramidase; minus strand). Cytogenetic location: 14q31.3.
Variant type: single nucleotide variant.
Coding change: c.1490-233C>T on transcript NM_000153.4 (MANE Select); 233 bases into the intron before coding-DNA position 1490, C replaced by T.
Molecular consequence: intron variant.
Genome position (GRCh38, 1-based): chr14:87,945,966, G>A on the plus strand (C>T on the coding strand, the complement: GALC is on the minus strand). VCF-style: chr14-87945966-G-A. GRCh37 (hg19) VCF-style: chr14-88412310-G-A.
Other names: c.1412-233C>T (NM_001201402.2); c.1421-233C>T (NM_001201401.2).
Identifiers: ClinVar variation 680302 (VCV000680302.1), dbSNP rs3910682, ClinGen allele CA13997345.
Genomic context (GRCh38, chr14:87,945,966, plus strand): 5'-CATTACTAAATATCAAGATGATGAGTTCGACATATAGATGCTGCATAATATTTAATCCAG[G>A]CATCTGGTGTAGAGGAAAGGTCATGAGTTTTGAAGTAAGACCTAGATTCAAATTCGAGTT-3'